The following is an entry in ClinVar:

NM_182614.4(TMEM255B):c.405C>T (p.Tyr135=)

Gene: TMEM255B (transmembrane protein 255B; plus strand). Cytogenetic location: 13q34.
Variant type: single nucleotide variant.
Coding change: c.405C>T on transcript NM_182614.4 (MANE Select); coding-DNA position 405, C replaced by T.
Protein change: p.Tyr135=; no amino-acid change (tyrosine 135 retained).
Molecular consequence: synonymous variant.
Genome position (GRCh38, 1-based): chr13:113,799,401, C>T. VCF-style: chr13-113799401-C-T. GRCh37 (hg19) VCF-style: chr13-114502374-C-T.
Other names: c.405C>T, p.Tyr135= (NM_001348663.2).
Identifiers: ClinVar variation 2644015 (VCV002644015.24), dbSNP rs140209642, ClinGen allele CA7066776.

ClinVar aggregate classification (germline): Likely benign (1 of 4 stars; one submission).

Allele frequency attached by ClinVar (database versions not stated): ESP Exome Variant Server 0.00031; 1000 Genomes Project 30x 0.00047; 1000 Genomes Project 0.00060; gnomAD 0.00063; TOPMed 0.00072; ExAC 0.00074; gnomAD exomes 0.00108.
gnomAD v4.1: 1,675 of 1,614,162 alleles (0.1%); highest among the groups gnomAD compares: Non-Finnish European, 0.13%; 2 homozygotes.

Submission:

CeGaT Center for Human Genetics Tuebingen
Classification: Likely benign. Last evaluated: 2022-07-01. Review status: criteria provided, single submitter. Criteria: CeGaT Center For Human Genetics Tuebingen Variant Classification Criteria Version 2. Collection method: clinical testing. Allele origin: germline. Affected: yes. Observed: 1 variant allele.
Comment: TMEM255B: BP4, BP7